The following is an entry in ClinVar:

ClinVar aggregate classification (germline): Uncertain significance (1 of 4 stars; one submission).

Conditions:
Inborn genetic diseases. Identifiers: MedGen C0950123, MeSH D030342.

Allele frequency attached by ClinVar (database versions not stated): gnomAD 0.00004; ESP Exome Variant Server 0.00008; ExAC 0.00002; TOPMed 0.00004.
gnomAD v4.1: 36 of 1,613,966 alleles (0.0022%); highest among the groups gnomAD compares: South Asian, 0.0033%; no homozygotes.

Submission:

Ambry Genetics
Classification: Uncertain significance for Inborn genetic diseases. Last evaluated: 2026-03-19. Review status: criteria provided, single submitter. Criteria: Ambry Variant Classification Scheme 2023. Collection method: clinical testing. Allele origin: germline.
Comment: The c.772C>T (p.R258C) alteration is located in exon 6 (coding exon 6) of the TBX4 gene. This alteration results from a C to T substitution at nucleotide position 772, causing the arginine (R) at amino acid position 258 to be replaced by a cysteine (C). Based on data from gnomAD, the T allele has an overall frequency of 0.003% (8/282720) total alleles studied. The highest observed frequency was 0.014% (1/7224) of Other alleles. Based on insufficient or conflicting evidence, the clinical significance of this alteration remains unclear.

NM_001321120.2(TBX4):c.772C>T (p.Arg258Cys)

Gene: TBX4 (T-box transcription factor 4; plus strand). Cytogenetic location: 17q23.2.
Variant type: single nucleotide variant.
Coding change: c.772C>T on transcript NM_001321120.2 (MANE Select); coding-DNA position 772, C replaced by T.
Protein change: p.Arg258Cys; replaces arginine 258 with cysteine.
Molecular consequence: missense variant.
Genome position (GRCh38, 1-based): chr17:61,479,950, C>T. VCF-style: chr17-61479950-C-T. GRCh37 (hg19) VCF-style: chr17-59557311-C-T.
Other names: c.772C>T, p.Arg258Cys (NM_018488.3); short protein forms R258C.
Identifiers: ClinVar variation 2510802 (VCV002510802.3), dbSNP rs138858259, ClinGen allele CA8689904.